The following is an entry in ClinVar:

NM_001709.5(BDNF):c.565A>C (p.Met189Leu)

Genes: BDNF (brain derived neurotrophic factor; minus strand), BDNF-AS (BDNF antisense RNA; plus strand). Cytogenetic location: 11p14.1.
Variant type: single nucleotide variant.
Coding change: c.565A>C on transcript NM_001709.5 (MANE Select); coding-DNA position 565, A replaced by C.
Protein change: p.Met189Leu; replaces methionine 189 with leucine.
Molecular consequence: missense variant.
Genome position (GRCh38, 1-based): chr11:27,658,000, T>G on the plus strand (A>C on the coding strand, the complement: BDNF is on the minus strand). VCF-style: chr11-27658000-T-G. GRCh37 (hg19) VCF-style: chr11-27679547-T-G.
Other names: c.565A>C, p.Met189Leu (NM_001143805.1, NM_001143806.1, NM_001143807.2 and 9 more transcripts); c.652A>C, p.Met218Leu (NM_001143809.2); c.811A>C, p.Met271Leu (NM_001143810.2); c.589A>C, p.Met197Leu (NM_170731.5); c.610A>C, p.Met204Leu (NM_170734.4); short protein forms M271L, M204L, M189L, M197L, M218L.
Identifiers: ClinVar variation 4984050 (VCV004984050.1).

ClinVar aggregate classification (germline): Uncertain significance (1 of 4 stars; one submission).

Conditions:
BDNF-related disorder. Also called: BDNF-related condition.

Submission:

PreventionGenetics, part of Exact Sciences
Classification: Uncertain significance for BDNF-related condition. Last evaluated: 2026-09-02. Review status: criteria provided, single submitter. Criteria: ACMG Guidelines, 2015. Collection method: clinical testing. Allele origin: germline.
Comment: The BDNF c.811A>C variant is predicted to result in the amino acid substitution p.Met271Leu. To our knowledge, this variant has not been reported in the literature. This variant is reported in 0.00088% of alleles in individuals of European (Non-Finnish) descent in gnomAD. At this time, the clinical significance of this variant is uncertain due to the absence of conclusive functional and genetic evidence.